The following is an entry in ClinVar:

NM_001205293.3(CACNA1E):c.2554C>T (p.Arg852Cys)

Gene: CACNA1E (calcium voltage-gated channel subunit alpha1 E; plus strand). Cytogenetic location: 1q25.3.
Variant type: single nucleotide variant.
Coding change: c.2554C>T on transcript NM_001205293.3 (MANE Select); coding-DNA position 2554, C replaced by T.
Protein change: p.Arg852Cys; replaces arginine 852 with cysteine.
Molecular consequence: missense variant.
Genome position (GRCh38, 1-based): chr1:181,732,640, C>T. VCF-style: chr1-181732640-C-T. GRCh37 (hg19) VCF-style: chr1-181701776-C-T.
Other names: c.2554C>T, p.Arg852Cys (NM_000721.4); c.2497C>T, p.Arg833Cys (NM_001205294.2); c.2554C>T (NM_001205293.1); short protein forms R833C, R852C.
Identifiers: ClinVar variation 2419360 (VCV002419360.7), dbSNP rs980201415, ClinGen allele CA33815775.
Genomic context (GRCh38, chr1:181,732,640, plus strand): 5'-GCCATTGAGGGCCTGGCCCTGGGCCTGGCCCTGGAGAAGTTCGAGGAGGAGCGCATCAGC[C>T]GTGGGGGGTCCCTCAAGGGGGATGGAGGGGACCGATCCAGTGCCCTGGACAACCAGAGGA-3'
Protein context (NP_001192222.1, residues 842-862): LEKFEEERIS[Arg852Cys]GGSLKGDGGD

ClinVar aggregate classification (germline): Conflicting classifications of pathogenicity. Review status: criteria provided, conflicting classifications (1 of 4 stars). 2 submissions from 2 submitters: Uncertain significance (1); Likely benign (1). Last evaluated 2025-11-17.

Conditions:
Inborn genetic diseases. Identifiers: MedGen C0950123, MeSH D030342.

Allele frequency attached by ClinVar (database versions not stated): gnomAD 0.00001; TOPMed 0.00002.
gnomAD v4.1: 28 of 1,498,898 alleles (0.0019%); highest among the groups gnomAD compares: East Asian, 0.0024%; no homozygotes.

Submissions (2):

Labcorp Genetics (formerly Invitae), Labcorp
Classification: Uncertain significance. Last evaluated: 2025-11-17. Review status: criteria provided, single submitter. Criteria: Invitae Variant Classification Sherloc (09022015). Collection method: clinical testing. Allele origin: germline.
Comment: This sequence change replaces arginine, which is basic and polar, with cysteine, which is neutral and slightly polar, at codon 852 of the CACNA1E protein (p.Arg852Cys). This variant is present in population databases (no rsID available, gnomAD 0.009%). This variant has not been reported in the literature in individuals affected with CACNA1E-related conditions. ClinVar contains an entry for this variant (Variation ID: 2419360). Invitae Evidence Modeling of protein sequence and biophysical properties (such as structural, functional, and spatial information, amino acid conservation, physicochemical variation, residue mobility, and thermodynamic stability) has been performed for this missense variant. However, the output from this modeling did not meet the statistical confidence thresholds required to predict the impact of this variant on CACNA1E protein function. In summary, the available evidence is currently insufficient to determine the role of this variant in disease. Therefore, it has been classified as a Variant of Uncertain Significance.

Ambry Genetics
Classification: Likely benign for Inborn genetic diseases. Last evaluated: 2024-08-05. Review status: criteria provided, single submitter. Criteria: Ambry Variant Classification Scheme 2023. Collection method: clinical testing. Allele origin: germline.